The following is an entry in ClinVar:

NM_006017.3(PROM1):c.893T>A (p.Leu298Gln)

Gene: PROM1 (prominin 1; minus strand). Cytogenetic location: 4p15.32.
Variant type: single nucleotide variant.
Coding change: c.893T>A on transcript NM_006017.3 (MANE Select); coding-DNA position 893, T replaced by A.
Protein change: p.Leu298Gln; replaces leucine 298 with glutamine.
Molecular consequence: missense variant.
Genome position (GRCh38, 1-based): chr4:16,018,432, A>T on the plus strand (T>A on the coding strand, the complement: PROM1 is on the minus strand). VCF-style: chr4-16018432-A-T. GRCh37 (hg19) VCF-style: chr4-16020055-A-T.
Other names: c.866T>A, p.Leu289Gln (NM_001145847.2, NM_001145848.2, NM_001145851.2 and 4 more transcripts); c.893T>A, p.Leu298Gln (NM_001145849.2, NM_001145850.2); short protein forms L298Q, L289Q.
Identifiers: ClinVar variation 2148762 (VCV002148762.5), dbSNP rs777725196, ClinGen allele CA2866925.

ClinVar aggregate classification (germline): Uncertain significance. Review status: criteria provided, multiple submitters, no conflicts (2 of 4 stars). 2 submissions from 2 submitters: Uncertain significance (2). Last evaluated 2023-10-01.

Conditions:
Retinal dystrophy. Also called: Inherited retinal dystrophy. Identifiers: Orphanet 71862, MedGen C0854723, MeSH D058499, MONDO:0019118, HP:0000556.

Allele frequency attached by ClinVar (database versions not stated): TOPMed below 0.00001; gnomAD 0.00001; gnomAD exomes 0.00001; ExAC 0.00003.
gnomAD v4.1: 12 of 1,613,730 alleles (0.00074%); highest among the groups gnomAD compares: East Asian, 0.027%; no homozygotes.

Submissions (2):

Dept Of Ophthalmology, Nagoya University
Classification: Uncertain significance for Retinal dystrophy. Last evaluated: 2023-10-01. Review status: criteria provided, single submitter. Criteria: Submitter's publication. Collection method: research. Allele origin: germline. Affected: yes.

Labcorp Genetics (formerly Invitae), Labcorp
Classification: Uncertain significance. Last evaluated: 2023-04-28. Review status: criteria provided, single submitter. Criteria: Invitae Variant Classification Sherloc (09022015). Collection method: clinical testing. Allele origin: germline.
Comment: Advanced modeling of protein sequence and biophysical properties (such as structural, functional, and spatial information, amino acid conservation, physicochemical variation, residue mobility, and thermodynamic stability) performed at Invitae indicates that this missense variant is expected to disrupt PROM1 protein function. In summary, the available evidence is currently insufficient to determine the role of this variant in disease. Therefore, it has been classified as a Variant of Uncertain Significance. ClinVar contains an entry for this variant (Variation ID: 2148762). This variant has not been reported in the literature in individuals affected with PROM1-related conditions. This variant is present in population databases (rs777725196, gnomAD 0.03%). This sequence change replaces leucine, which is neutral and non-polar, with glutamine, which is neutral and polar, at codon 298 of the PROM1 protein (p.Leu298Gln).